The following is an entry in ClinVar:

ClinVar aggregate classification (germline): Pathogenic (1 of 4 stars; one submission).

Submission:

ISCA site 4
Classification: Pathogenic. Last evaluated: 2011-08-12. Review status: criteria provided, single submitter. Criteria: Kaminsky et al. (Genet Med. 2011). Collection method: clinical testing. Allele origin: unknown. Affected: yes. Observed: 1 variant allele.
Comment: Copy number variation identified through the course of routine clinical cytogenomic testing in postnatal populations. Clinical assertions have been curated as described in Kaminsky et al. 2011.

GRCh38/hg38 22q13.33(chr22:50658268-50739836)x1

Genes: ACR (acrosin; plus strand), SHANK3 (SH3 and multiple ankyrin repeat domains 3; plus strand), LOC105373100 (uncharacterized LOC105373100; minus strand), LOC126863188 (CDK7 strongly-dependent group 2 enhancer GRCh37_chr22:51142004-51143203; plus strand), LOC130067888 (ATAC-STARR-seq lymphoblastoid active region 19333; plus strand). Cytogenetic location: 22q13.33.
Variant type: copy number loss.
Change: copy number 1 (one copy instead of two) of chr22:50,658,268-50,739,836 (81.6 kb, GRCh38 coordinates, 1-based), cytogenetic band 22q13.33.
Identifiers: ClinVar variation 161055 (VCV000161055.1).